The following is an entry in ClinVar:

ClinVar aggregate classification (germline): Likely benign. Review status: criteria provided, multiple submitters, no conflicts (2 of 4 stars). 2 submissions from 2 submitters: Likely benign (2). Last evaluated 2026-09-01.

gnomAD v4.1: 7 of 1,614,106 alleles (0.00043%); highest among the groups gnomAD compares: Middle Eastern, 0.016%; no homozygotes.

Submissions (2):

CeGaT Center for Human Genetics Tuebingen
Classification: Likely benign. Last evaluated: 2026-09-01. Review status: criteria provided, single submitter. Criteria: CeGaT Center For Human Genetics Tuebingen Variant Classification Criteria Version 2. Collection method: clinical testing. Allele origin: germline. Affected: yes. Observed: 1 variant allele.
Comment: CDK12: BP4, BP7

Ambry Genetics
Classification: Likely benign. Last evaluated: 2025-02-15. Review status: criteria provided, single submitter. Criteria: Ambry Variant Classification Scheme 2023. Collection method: clinical testing. Allele origin: germline.

NM_016507.4(CDK12):c.732A>G (p.Gln244=)

Genes: CDK12 (cyclin dependent kinase 12; plus strand), LOC126862553 (CDK7 strongly-dependent group 2 enhancer GRCh37_chr17:37618166-37619365; plus strand). Cytogenetic location: 17q12.
Variant type: single nucleotide variant.
Coding change: c.732A>G on transcript NM_016507.4 (MANE Select); coding-DNA position 732, A replaced by G.
Protein change: p.Gln244=; no amino-acid change (glutamine 244 retained).
Molecular consequence: synonymous variant.
Genome position (GRCh38, 1-based): chr17:39,462,803, A>G. VCF-style: chr17-39462803-A-G. GRCh37 (hg19) VCF-style: chr17-37619056-A-G.
Other names: c.732A>G, p.Gln244= (NM_015083.4).
Identifiers: ClinVar variation 3830668 (VCV003830668.2).